The following is an entry in ClinVar:

ClinVar aggregate classification (germline): Uncertain significance (1 of 4 stars; one submission).

gnomAD v4.1: 12 of 1,559,256 alleles (0.00077%); highest among the groups gnomAD compares: South Asian, 0.0047%; no homozygotes.

Submission:

Labcorp Genetics (formerly Invitae), Labcorp
Classification: Uncertain significance. Last evaluated: 2023-10-06. Review status: criteria provided, single submitter. Criteria: Invitae Variant Classification Sherloc (09022015). Collection method: clinical testing. Allele origin: germline.
Comment: This sequence change replaces serine, which is neutral and polar, with asparagine, which is neutral and polar, at codon 18 of the IRF4 protein (p.Ser18Asn). The frequency data for this variant in the population databases is considered unreliable, as metrics indicate poor data quality at this position in the gnomAD database. This variant has not been reported in the literature in individuals affected with IRF4-related conditions. An algorithm developed to predict the effect of missense changes on protein structure and function (PolyPhen-2) suggests that this variant is likely to be disruptive. In summary, the available evidence is currently insufficient to determine the role of this variant in disease. Therefore, it has been classified as a Variant of Uncertain Significance.

NM_002460.4(IRF4):c.53G>A (p.Ser18Asn)

Gene: IRF4 (interferon regulatory factor 4; plus strand). Cytogenetic location: 6p25.3.
Variant type: single nucleotide variant.
Coding change: c.53G>A on transcript NM_002460.4 (MANE Select); coding-DNA position 53, G replaced by A.
Protein change: p.Ser18Asn; replaces serine 18 with asparagine.
Molecular consequence: missense variant. On other transcripts: non-coding transcript variant (1).
Genome position (GRCh38, 1-based): chr6:393,205, G>A. VCF-style: chr6-393205-G-A. GRCh37 (hg19) VCF-style: chr6-393205-G-A.
Other names: c.53G>A, p.Ser18Asn (NM_001195286.2); short protein forms S18N.
Identifiers: ClinVar variation 2969143 (VCV002969143.3), dbSNP rs1000698747, ClinGen allele CA133329066.